The following is an entry in ClinVar:

NM_000093.5(COL5A1):c.1123G>A (p.Glu375Lys)

Gene: COL5A1 (collagen type V alpha 1 chain; plus strand). Cytogenetic location: 9q34.3.
Variant type: single nucleotide variant.
Coding change: c.1123G>A on transcript NM_000093.5 (MANE Select); coding-DNA position 1123, G replaced by A.
Protein change: p.Glu375Lys; replaces glutamic acid 375 with lysine.
Molecular consequence: missense variant.
Genome position (GRCh38, 1-based): chr9:134,730,434, G>A. VCF-style: chr9-134730434-G-A. GRCh37 (hg19) VCF-style: chr9-137622280-G-A.
Other names: c.1123G>A, p.Glu375Lys (NM_001278074.1); c.1123G>A (NM_000093.3); short protein forms E375K.
Identifiers: ClinVar variation 1012634 (VCV001012634.48), dbSNP rs777789161, ClinGen allele CA5318641.

ClinVar aggregate classification (germline): Conflicting classifications of pathogenicity. Review status: criteria provided, conflicting classifications (1 of 4 stars). 6 submissions from 6 submitters: Uncertain significance (5); Benign (1). Last evaluated 2026-04-17.

Conditions:
COL5A1-related disorder. Also called: COL5A1-related condition.
Ehlers-Danlos syndrome, classic type, 1 (EDSCL1). Also called: Ehlers-Danlos Syndrome, Classic Type, COL5A1-Related; EDS I; EHLERS-DANLOS SYNDROME, GRAVIS TYPE; EHLERS-DANLOS SYNDROME, SEVERE CLASSIC TYPE; Ehlers-Danlos syndrome, type 1. Identifiers: MedGen C0268335, MONDO:0019567, OMIM 130000.
Familial thoracic aortic aneurysm and aortic dissection (TAAD). Also called: Thoracic aortic aneurysms and dissections. Identifiers: Orphanet 91387, MedGen C4707243, MONDO:0019625.

Allele frequency attached by ClinVar (database versions not stated): gnomAD 0.00001; ExAC 0.00002; TOPMed 0.00002.
gnomAD v4.1: 32 of 1,614,014 alleles (0.002%); highest among the groups gnomAD compares: East Asian, 0.0067%; no homozygotes.

Submissions (6):

Women's Health and Genetics/Laboratory Corporation of America, LabCorp
Classification: Uncertain significance. Last evaluated: 2026-04-17. Review status: criteria provided, single submitter. Criteria: LabCorp Variant Classification Summary - May 2015. Collection method: clinical testing. Allele origin: germline.
Comment: Variant summary: COL5A1 c.1123G>A (p.Glu375Lys) results in a conservative amino acid change in the encoded protein sequence. Algorithms developed to predict the effect of missense changes on protein structure and function are either unavailable or do not agree on the potential impact of this missense change. The variant allele was found at a frequency of 2e-05 in 250936 control chromosomes. The available data on variant occurrences in the general population are insufficient to allow any conclusion about variant significance. To our knowledge, no occurrence of c.1123G>A in individuals affected with COL5A1-related conditions and no experimental evidence demonstrating its impact on protein function have been reported. ClinVar contains an entry for this variant (Variation ID: 1012634). Based on the evidence outlined above, the variant was classified as uncertain significance.

Labcorp Genetics (formerly Invitae), Labcorp
Classification: Benign for Ehlers-Danlos syndrome, classic type, 1. Last evaluated: 2025-08-17. Review status: criteria provided, single submitter. Criteria: Invitae Variant Classification Sherloc (09022015). Collection method: clinical testing. Allele origin: germline.

Ambry Genetics
Classification: Uncertain significance for Familial thoracic aortic aneurysm and aortic dissection. Last evaluated: 2024-12-08. Review status: criteria provided, single submitter. Criteria: Ambry Variant Classification Scheme 2023. Collection method: clinical testing. Allele origin: germline.
Comment: The p.E375K variant (also known as c.1123G>A), located in coding exon 7 of the COL5A1 gene, results from a G to A substitution at nucleotide position 1123. The glutamic acid at codon 375 is replaced by lysine, an amino acid with similar properties. This amino acid position is well conserved in available vertebrate species. In addition, the in silico prediction for this alteration is inconclusive. Based on the available evidence, the clinical significance of this variant remains unclear.

PreventionGenetics, part of Exact Sciences
Classification: Uncertain significance for COL5A1-related condition. Last evaluated: 2024-10-23. Review status: criteria provided, single submitter. Criteria: ACMG Guidelines, 2015. Collection method: clinical testing. Allele origin: germline.
Comment: The COL5A1 c.1123G>A variant is predicted to result in the amino acid substitution p.Glu375Lys. To our knowledge, this variant has not been reported in the literature. This substitution does not affect a residue within the COL5A1 triple helical domain. This variant is reported in 0.010% of alleles in individuals of East Asian descent in gnomAD. At this time, the clinical significance of this variant is uncertain due to the absence of conclusive functional and genetic evidence.

Johns Hopkins Genomics, Johns Hopkins University
Classification: Uncertain significance for Ehlers-Danlos syndrome, classic type, 1. Last evaluated: 2021-12-08. Review status: criteria provided, single submitter. Criteria: ACMG Guidelines, 2015. Collection method: clinical testing. Allele origin: germline.
Comment: This COL5A1 variant (rs777789161) is rare (<0.1%) in a large population dataset (gnomAD: 7/282326 total alleles; 0.0025%; no homozygotes) and has been reported in ClinVar. Three bioinformatics tools queried predicts that this substitution would be tolerated. The glutamic acid residue at this position is mostly conserved across the vertebrate species assessed. This variant is not predicted to affect normal exon 7 splicing, although this has not been confirmed experimentally to our knowledge. Due to insufficient evidence, we consider the clinical significance of c.1123G>A to be uncertain at this time.

CeGaT Center for Human Genetics Tuebingen
Classification: Uncertain significance. Last evaluated: 2020-11-01. Review status: criteria provided, single submitter. Criteria: CeGaT Center For Human Genetics Tuebingen Variant Classification Criteria Version 2. Collection method: clinical testing. Allele origin: germline. Affected: yes. Observed: 1 variant allele.

Literature cited by the submitters: PubMed 15580559 (cited by Johns Hopkins Genomics, Johns Hopkins University); PubMed 20301422 (cited by Johns Hopkins Genomics, Johns Hopkins University); PubMed 22696272 (cited by Johns Hopkins Genomics, Johns Hopkins University).